The following is an entry in ClinVar:

ClinVar aggregate classification (germline): Benign/Likely benign. Review status: criteria provided, multiple submitters, no conflicts (2 of 4 stars). 7 submissions from 7 submitters: Benign (2); Likely benign (1). 4 of the submissions do not count toward it. Last evaluated 2024-11-27.

Conditions:
Early onset severe obesity. Identifiers: MedGen C4013980.

Submissions (7):

Blueprint Genetics
Classification: Likely benign. Last evaluated: 2024-11-27. Review status: criteria provided, single submitter. Criteria: ACMG Guidelines, 2015. Collection method: clinical testing. Allele origin: germline.

Cambridge Genomics Laboratory, East Genomic Laboratory Hub, NHS Genomic Medicine Service
Classification: Benign for Severe early-onset obesity. Last evaluated: 2023-12-08. Review status: criteria provided, single submitter. Criteria: ACGS Best Practice Guidelines for Variant Classification in Rare Disease 2020. Collection method: clinical testing. Allele origin: germline. Affected: yes.
Comment: The variant is observed in one or more well-documented healthy adults. (BS2 - Strong) | The p.Ala398_Ala400dup variant is observed in 174/8.880 (1.9595%) alleles from individuals of gnomAD African background in gnomAD All. The p.Ala398_Ala400dup variant is observed in 50/5.008 (0.9984%) alleles from individuals of 1kG All background in 1kG All. The p.Ala398_Ala400dup variant is observed in 1.002/41.372 (2.4219%) alleles from individuals of gnomAD Genomes v3 African background in gnomAD Genomes v3 All, indicating it is a common benign variant. (BA1 - Standalone) | The p.Ala398_Ala400dup variant is a in-frame insertion of an amino acid sequence that is repeated 2 times in the surrounding region. (BP3 - Supporting)

Labcorp Genetics (formerly Invitae), Labcorp
Classification: Benign. Last evaluated: 2019-12-31. Review status: criteria provided, single submitter. Criteria: Invitae Variant Classification Sherloc (09022015). Collection method: clinical testing. Allele origin: germline.

ITMI
No classification provided. Condition: AllHighlyPenetrant. Last evaluated: 2013-09-19. Review status: no classification provided. Collection method: reference population. Allele origin: germline. Not counted in ClinVar's aggregate classification.
Comment: Please see associated publication for description of ethnicities

Clinical Genetics DNA and cytogenetics Diagnostics Lab, Erasmus MC, Erasmus Medical Center
Classification: Benign. Review status: no assertion criteria provided. Collection method: clinical testing. Allele origin: germline. Affected: yes. Study: VKGL Data-share Consensus. Not counted in ClinVar's aggregate classification.

Clinical Genetics, Academic Medical Center
Classification: Benign. Review status: no assertion criteria provided. Collection method: clinical testing. Allele origin: germline. Affected: yes. Study: VKGL Data-share Consensus. Not counted in ClinVar's aggregate classification.

Laboratory of Diagnostic Genome Analysis, Leiden University Medical Center (LUMC)
Classification: Likely benign. Review status: no assertion criteria provided. Collection method: clinical testing. Allele origin: germline. Affected: yes. Study: VKGL Data-share Consensus. Not counted in ClinVar's aggregate classification.

Literature cited by the submitters: PubMed 24728327 (cited by ITMI).

NM_080425.4(GNAS):c.1188_1196dup (p.Ala400_Asp401insAlaProAla)

Gene: GNAS (GNAS complex locus; plus strand). Cytogenetic location: 20q13.32.
Variant type: Duplication.
Coding change: c.1188_1196dup on transcript NM_080425.4 (MANE Plus Clinical); coding-DNA positions 1188 to 1196, 9 bases duplicated (TGCAGCCCC; older notation c.1188_1196dupTGCAGCCCC).
Protein change: p.Ala400_Asp401insAlaProAla.
Molecular consequence: inframe insertion. On other transcripts: intron variant (3).
Genome position (GRCh38, 1-based): chr20:58,854,453-58,854,461, TGCAGCCCC duplicated; duplicating any 9 consecutive bases within chr20:58,854,445-58,854,461 gives the same sequence; the c. name uses the placement nearest the transcript's 3' end. VCF-style (leftmost placement, unchanged base first): chr20-58854444-G-GGCAGCCCCT. GRCh37 (hg19) VCF-style: chr20-57429499-G-GGCAGCCCCT.
Other names: c.1001_1009dup, p.Pro336_Gln337insLeuGlnPro (NM_001077490.3, NM_001309883.1); c.1188_1196dup, p.Ala400_Asp401insAlaProAla (NM_001410913.1); c.*42+13567_*42+13575dup (NM_016592.5); c.43+13567_43+13575dup (NM_001410912.1); c.-39+12578_-39+12586dup (NM_001309861.2).
Identifiers: ClinVar variation 134477 (VCV000134477.10), dbSNP rs577386316, ClinGen allele CA159930.